The following is an entry in ClinVar:

ClinVar aggregate classification (germline): Uncertain significance. Review status: criteria provided, multiple submitters, no conflicts (2 of 4 stars). 3 submissions from 3 submitters: Uncertain significance (2). 1 of the submissions does not count toward it. Last evaluated 2026-05-06.

Conditions:
Polycystic kidney disease, adult type (PKD1). Also called: Polycystic Kidney Disease 1, Autosomal Dominant; Polycystic kidney disease 1; Polycystic kidney disease 1, severe; Polycystic Kidney, Autosomal Dominant; POLYCYSTIC KIDNEY DISEASE 1 WITH OR WITHOUT POLYCYSTIC LIVER DISEASE; POLYCYSTIC KIDNEY DISEASE, ADULT, TYPE I. Identifiers: MedGen C3149841, MONDO:0008263, OMIM 173900.

Submissions (3):

Victorian Clinical Genetics Services, Murdoch Childrens Research Institute
Classification: Uncertain significance for Polycystic kidney disease, adult type. Last evaluated: 2026-05-06. Review status: criteria provided, single submitter. Criteria: ACMG Guidelines, 2015. Collection method: clinical testing. Allele origin: germline. Affected: yes.
Comment: This variant is classified as VUS-3A. Evidence in support of pathogenic classification: Variant is absent from gnomAD (v2, v3 and v4). Additional information: Variant is predicted to result in a missense amino acid change from Asp to Gly; This variant is heterozygous; This gene is associated with autosomal dominant disease. Polycystic kidney disease 1 (MIM#173900) is predominantly caused by monoallelic variants, with rare reports of biallelic variants causing disease (OMIM); Previous evidence of pathogenicity for this variant is inconclusive. This variant has been classified as a VUS by clinical laboratories in ClinVar; No published evidence of segregation with disease has been identified for this variant; No published functional evidence has been identified for this variant; No comparable missense variants have previous evidence for pathogenicity; Variant is located in the annotated leucine rich repeat domain (DECIPHER) - Missense variant with inconclusive in silico prediction and/or uninformative conservation; Loss of function is a known mechanism of disease in this gene and is associated with polycystic kidney disease 1 (MIM#173900); Inheritance information for this variant is not currently available in this individual.

Women's Health and Genetics/Laboratory Corporation of America, LabCorp
Classification: Uncertain significance. Last evaluated: 2025-11-26. Review status: criteria provided, single submitter. Criteria: LabCorp Variant Classification Summary - May 2015. Collection method: clinical testing. Allele origin: germline.
Comment: Variant summary: PKD1 c.218A>G (p.Asp73Gly) results in a non-conservative amino acid change in the encoded protein sequence. Algorithms developed to predict the effect of missense changes on protein structure and function all suggest that this variant is likely to be disruptive. Consensus agreement among computation tools predict no significant impact on normal splicing. However, these predictions have yet to be confirmed by functional studies. The variant was absent in 136486 control chromosomes. The available data on variant occurrences in the general population are insufficient to allow any conclusion about variant significance. To our knowledge, no occurrence of c.218A>G in individuals affected with PKD1-related conditions and no experimental evidence demonstrating its impact on protein function have been reported. ClinVar contains an entry for this variant (Variation ID: 1328380). Based on the evidence outlined above, the variant was classified as uncertain significance.

Institute of Human Genetics, Cologne University
Classification: Uncertain significance for Polycystic kidney disease, adult type. Review status: no assertion criteria provided. Collection method: clinical testing. Allele origin: unknown. Inheritance: Autosomal dominant inheritance. Affected: yes. Not counted in ClinVar's aggregate classification.

NM_001009944.3(PKD1):c.218A>G (p.Asp73Gly)

Gene: PKD1 (polycystin 1, transient receptor potential channel interacting; minus strand). Cytogenetic location: 16p13.3.
Variant type: single nucleotide variant.
Coding change: c.218A>G on transcript NM_001009944.3 (MANE Select); coding-DNA position 218, A replaced by G.
Protein change: p.Asp73Gly; replaces aspartic acid 73 with glycine.
Molecular consequence: missense variant.
Genome position (GRCh38, 1-based): chr16:2,119,376, T>C on the plus strand (A>G on the coding strand, the complement: PKD1 is on the minus strand). VCF-style: chr16-2119376-T-C. GRCh37 (hg19) VCF-style: chr16-2169377-T-C.
Other names: c.218A>G, p.Asp73Gly (NM_000296.4); short protein forms D73G.
Identifiers: ClinVar variation 1328380 (VCV001328380.3), dbSNP rs2151826654, ClinGen allele CA394396333.